The following is an entry in ClinVar:

NM_000392.5(ABCC2):c.2556del (p.Gly853fs)

Gene: ABCC2 (ATP binding cassette subfamily C member 2; plus strand). Cytogenetic location: 10q24.2.
Variant type: Deletion.
Coding change: c.2556del on transcript NM_000392.5 (MANE Select); coding-DNA position 2556, one base deleted (A; older notation c.2556delA).
Protein change: p.Gly853fs; shifts the reading frame from glycine 853.
Molecular consequence: frameshift variant.
Genome position (GRCh38, 1-based): chr10:99,819,205, A deleted; the last of 6 consecutive A bases (chr10:99,819,200-99,819,205); deleting any one gives the same sequence. VCF-style (leftmost placement, unchanged base first): chr10-99819199-CA-C. GRCh37 (hg19) VCF-style: chr10-101578956-CA-C.
Other names: short protein forms G853fs.
Identifiers: ClinVar variation 2907403 (VCV002907403.3), dbSNP rs1393497113, ClinGen allele CA471262131.

ClinVar aggregate classification (germline): Pathogenic (1 of 4 stars; one submission).

Submission:

Labcorp Genetics (formerly Invitae), Labcorp
Classification: Pathogenic. Last evaluated: 2023-04-19. Review status: criteria provided, single submitter. Criteria: Invitae Variant Classification Sherloc (09022015). Collection method: clinical testing. Allele origin: germline.
Comment: This sequence change creates a premature translational stop signal (p.Gly853Glufs*7) in the ABCC2 gene. It is expected to result in an absent or disrupted protein product. Loss-of-function variants in ABCC2 are known to be pathogenic (PMID: 9185779, 16549534, 16952291). For these reasons, this variant has been classified as Pathogenic. This premature translational stop signal has been observed in individual(s) with clinical features of ABCC2-related conditions (PMID: 30835355). This variant is not present in population databases (gnomAD no frequency).

Literature cited by the submitters: PubMed 9185779; PubMed 16549534; PubMed 16952291; PubMed 30835355.